The following is an entry in ClinVar:

NM_000038.6(APC):c.6326A>G (p.Asn2109Ser)

Gene: APC (APC regulator of Wnt signaling pathway; plus strand). Cytogenetic location: 5q22.2.
Variant type: single nucleotide variant.
Coding change: c.6326A>G on transcript NM_000038.6 (MANE Select); coding-DNA position 6326, A replaced by G.
Protein change: p.Asn2109Ser; replaces asparagine 2109 with serine.
Molecular consequence: missense variant.
Genome position (GRCh38, 1-based): chr5:112,841,920, A>G. VCF-style: chr5-112841920-A-G. GRCh37 (hg19) VCF-style: chr5-112177617-A-G.
Other names: c.6326A>G, p.Asn2109Ser (NM_001127510.3, NM_001354895.2); c.6272A>G, p.Asn2091Ser (NM_001127511.3); c.6380A>G, p.Asn2127Ser (NM_001354896.2); c.6356A>G, p.Asn2119Ser (NM_001354897.2); c.6251A>G, p.Asn2084Ser (NM_001354898.2); c.6242A>G, p.Asn2081Ser (NM_001354899.2); c.6203A>G, p.Asn2068Ser (NM_001354900.2); c.6149A>G, p.Asn2050Ser (NM_001354901.2); and 5 more; short protein forms N1983S, N2008S, N2091S, N2127S, N1826S, N1949S, N2050S, N2081S.
Identifiers: ClinVar variation 648162 (VCV000648162.15), dbSNP rs774352590, ClinGen allele CA044362.
Genomic context (GRCh38, chr5:112,841,920, plus strand): 5'-AACATGGTCTATCCCCTGATTCAGAAAATTTTGATTGGAAAGCTATTCAGGAAGGTGCAA[A>G]TTCCATAGTAAGTAGTTTACATCAAGCTGCTGCTGCTGCATGTTTATCTAGACAAGCTTC-3'
Protein context (NP_000029.2, residues 2099-2119): FDWKAIQEGA[Asn2109Ser]SIVSSLHQAA

ClinVar aggregate classification (germline): Uncertain significance. Review status: criteria provided, multiple submitters, no conflicts (2 of 4 stars). 3 submissions from 3 submitters: Uncertain significance (3). Last evaluated 2025-07-02.

Conditions:
Hereditary cancer-predisposing syndrome. Also called: Neoplastic Syndromes, Hereditary; Tumor predisposition; Hereditary Cancer Syndrome; Hereditary neoplastic syndrome. Identifiers: Orphanet 140162, MedGen C0027672, MeSH D009386, MONDO:0015356.
Familial adenomatous polyposis 1 (FAP1). Also called: FAMILIAL ADENOMATOUS POLYPOSIS 1, ATTENUATED; POLYPOSIS, ADENOMATOUS INTESTINAL. Identifiers: MedGen C2713442, MONDO:0021056, OMIM 175100. Disease mechanism: loss of function.

Allele frequency attached by ClinVar (database versions not stated): gnomAD exomes below 0.00001; ExAC 0.00001.
gnomAD v4.1: 2 of 1,613,958 alleles (0.00012%); highest among the groups gnomAD compares: Non-Finnish European, 0.00017%; no homozygotes.

Submissions (3):

Ambry Genetics
Classification: Uncertain significance for Hereditary cancer-predisposing syndrome. Last evaluated: 2025-07-02. Review status: criteria provided, single submitter. Criteria: Ambry Variant Classification Scheme 2023. Collection method: clinical testing. Allele origin: germline.
Comment: The p.N2109S variant (also known as c.6326A>G), located in coding exon 15 of the APC gene, results from an A to G substitution at nucleotide position 6326. The asparagine at codon 2109 is replaced by serine, an amino acid with highly similar properties. This amino acid position is highly conserved in available vertebrate species. In addition, in silico predictors for this gene do not accurately predict pathogenicity. Missense alterations in APC are not a common cause of disease (Spier I et al. Genet Med. 2024 Feb;26(2):100992). Based on the available evidence, the clinical significance of this variant remains unclear.

Labcorp Genetics (formerly Invitae), Labcorp
Classification: Uncertain significance for Familial adenomatous polyposis 1. Last evaluated: 2021-01-18. Review status: criteria provided, single submitter. Criteria: Invitae Variant Classification Sherloc (09022015). Collection method: clinical testing. Allele origin: germline.
Comment: In summary, the available evidence is currently insufficient to determine the role of this variant in disease. Therefore, it has been classified as a Variant of Uncertain Significance. Algorithms developed to predict the effect of missense changes on protein structure and function (SIFT, PolyPhen-2, Align-GVGD) all suggest that this variant is likely to be disruptive, but these predictions have not been confirmed by published functional studies and their clinical significance is uncertain. This variant has not been reported in the literature in individuals with APC-related disease. This variant is present in population databases (rs774352590, ExAC 0.001%). This sequence change replaces asparagine with serine at codon 2109 of the APC protein (p.Asn2109Ser). The asparagine residue is highly conserved and there is a small physicochemical difference between asparagine and serine.

Mendelics
Classification: Uncertain significance for Familial adenomatous polyposis 1. Last evaluated: 2019-05-28. Review status: criteria provided, single submitter. Criteria: Mendelics Assertion Criteria 2017. Collection method: clinical testing. Allele origin: unknown.